The following is an entry in ClinVar:

NM_002972.4(SBF1):c.2244G>C (p.Lys748Asn)

Gene: SBF1 (SET binding factor 1; minus strand). Cytogenetic location: 22q13.33.
Variant type: single nucleotide variant.
Coding change: c.2244G>C on transcript NM_002972.4 (MANE Select); coding-DNA position 2244, G replaced by C.
Protein change: p.Lys748Asn; replaces lysine 748 with asparagine.
Molecular consequence: missense variant.
Genome position (GRCh38, 1-based): chr22:50,462,357, C>G on the plus strand (G>C on the coding strand, the complement: SBF1 is on the minus strand). VCF-style: chr22-50462357-C-G. GRCh37 (hg19) VCF-style: chr22-50900786-C-G.
Other names: c.2247G>C, p.Lys749Asn (NM_001365819.1, NM_001410794.1); c.2244G>C, p.Lys748Asn (NM_001410795.1, NM_197971.1); short protein forms K748N, K749N.
Identifiers: ClinVar variation 2131523 (VCV002131523.4), dbSNP rs776661139, ClinGen allele CA325532650.

ClinVar aggregate classification (germline): Uncertain significance (1 of 4 stars; one submission).

Submission:

Labcorp Genetics (formerly Invitae), Labcorp
Classification: Uncertain significance. Last evaluated: 2022-04-28. Review status: criteria provided, single submitter. Criteria: Invitae Variant Classification Sherloc (09022015). Collection method: clinical testing. Allele origin: germline.
Comment: This variant is not present in population databases (gnomAD no frequency). In summary, the available evidence is currently insufficient to determine the role of this variant in disease. Therefore, it has been classified as a Variant of Uncertain Significance. Algorithms developed to predict the effect of missense changes on protein structure and function are either unavailable or do not agree on the potential impact of this missense change (SIFT: "Tolerated"; PolyPhen-2: "Possibly Damaging"; Align-GVGD: "Class C0"). This variant has not been reported in the literature in individuals affected with SBF1-related conditions. This sequence change replaces lysine, which is basic and polar, with asparagine, which is neutral and polar, at codon 748 of the SBF1 protein (p.Lys748Asn).